The following is an entry in ClinVar:

NM_024675.4(PALB2):c.3351-3C>G

Gene: PALB2 (partner and localizer of BRCA2; minus strand). Cytogenetic location: 16p12.2.
Variant type: single nucleotide variant.
Coding change: c.3351-3C>G on transcript NM_024675.4 (MANE Select); 3 bases into the intron before coding-DNA position 3351, C replaced by G.
Molecular consequence: intron variant.
Genome position (GRCh38, 1-based): chr16:23,603,672, G>C on the plus strand (C>G on the coding strand, the complement: PALB2 is on the minus strand). VCF-style: chr16-23603672-G-C. GRCh37 (hg19) VCF-style: chr16-23614993-G-C.
Other names: c.2229-3C>G (NM_001407308.1, NM_001407309.1); c.2466-3C>G (NM_001407306.1, NM_001407305.1, NM_001407304.1); c.885-3C>G (NM_001407314.1); c.1414-3C>G (NM_001407313.1); c.1563-3C>G (NM_001407312.1); c.3291-3C>G (NM_001407296.1); c.3279-3C>G (NM_001407297.1); c.3040-3C>G (NM_001407302.1); and 6 more.
Identifiers: ClinVar variation 3367432 (VCV003367432.1).
Genomic context (GRCh38, chr16:23,603,672, plus strand): 5'-TGTTCCAGAAGTCAAGATTGCTGCTGCACAGTGATCTTTCACGTCACCTTCCAGGAACCT[G>C]ATAGCATACAAAGAAGATATAATTCAGATTACATATCCAAAAAACAATTAAAAAAAAAAA-3'

ClinVar aggregate classification (germline): Uncertain significance (1 of 4 stars; one submission).

Submission:

GeneDx
Classification: Uncertain significance. Last evaluated: 2023-12-31. Review status: criteria provided, single submitter. Criteria: GeneDx Variant Classification Process June 2021. Collection method: clinical testing. Allele origin: germline. Affected: yes.
Comment: Not observed at significant frequency in large population cohorts (gnomAD); In silico analysis supports a deleterious effect on splicing; Has not been previously published as pathogenic or benign to our knowledge